The following is an entry in ClinVar:

NM_001040108.2(MLH3):c.1324A>T (p.Ile442Phe)

Gene: MLH3 (mutL homolog 3; minus strand). Cytogenetic location: 14q24.3.
Variant type: single nucleotide variant.
Coding change: c.1324A>T on transcript NM_001040108.2 (MANE Select); coding-DNA position 1324, A replaced by T.
Protein change: p.Ile442Phe; replaces isoleucine 442 with phenylalanine.
Molecular consequence: missense variant.
Genome position (GRCh38, 1-based): chr14:75,048,332, T>A on the plus strand (A>T on the coding strand, the complement: MLH3 is on the minus strand). VCF-style: chr14-75048332-T-A. GRCh37 (hg19) VCF-style: chr14-75515035-T-A.
Other names: c.1324A>T, p.Ile442Phe (NM_014381.3); short protein forms I442F.
Identifiers: ClinVar variation 1769967 (VCV001769967.2), dbSNP rs1892412042, ClinGen allele CA390446439.

ClinVar aggregate classification (germline): Uncertain significance (1 of 4 stars; one submission).

Allele frequency attached by ClinVar (database versions not stated): TOPMed 0.00002.
gnomAD v4.1: 1 of 1,614,030 alleles (0.000062%); highest among the groups gnomAD compares: Non-Finnish European, 0.000085%; no homozygotes.

Submission:

Ambry Genetics
Classification: Uncertain significance. Last evaluated: 2024-01-31. Review status: criteria provided, single submitter. Criteria: Ambry Variant Classification Scheme 2023. Collection method: clinical testing. Allele origin: germline.
Comment: The p.I442F variant (also known as c.1324A>T), located in coding exon 1 of the MLH3 gene, results from an A to T substitution at nucleotide position 1324. The isoleucine at codon 442 is replaced by phenylalanine, an amino acid with highly similar properties. This amino acid position is conserved. In addition, this alteration is predicted to be tolerated by in silico analysis. Since supporting evidence is limited at this time, the clinical significance of this alteration remains unclear.